The following is an entry in ClinVar:

NM_021926.4(ALX4):c.20T>G (p.Val7Gly)

Gene: ALX4 (ALX homeobox 4; minus strand). Cytogenetic location: 11p11.2.
Variant type: single nucleotide variant.
Coding change: c.20T>G on transcript NM_021926.4 (MANE Select); coding-DNA position 20, T replaced by G.
Protein change: p.Val7Gly; replaces valine 7 with glycine.
Molecular consequence: missense variant.
Genome position (GRCh38, 1-based): chr11:44,310,043, A>C on the plus strand (T>G on the coding strand, the complement: ALX4 is on the minus strand). VCF-style: chr11-44310043-A-C. GRCh37 (hg19) VCF-style: chr11-44331593-A-C.
Other names: short protein forms V7G.
Identifiers: ClinVar variation 3646003 (VCV003646003.2).
Genomic context (GRCh38, chr11:44,310,043, plus strand): 5'-CTCTGCGACACCGGGCTGTAGTAGGCGTCCATGGCAGCGGCCGGCGACTCGCAGTAAGAG[A>C]CGCAAGTCTCAGCATTCATGCCTGGCTTGCGCAGGCGGCGGGCGGGGACGCGAGCGAGGG-3'
Protein context (NP_068745.2, residues 1-17): MNAETC[Val7Gly]SYCESPAAAM

ClinVar aggregate classification (germline): Uncertain significance (1 of 4 stars; one submission).

Submission:

Labcorp Genetics (formerly Invitae), Labcorp
Classification: Uncertain significance. Last evaluated: 2024-10-15. Review status: criteria provided, single submitter. Criteria: Invitae Variant Classification Sherloc (09022015). Collection method: clinical testing. Allele origin: germline.
Comment: This sequence change replaces valine, which is neutral and non-polar, with glycine, which is neutral and non-polar, at codon 7 of the ALX4 protein (p.Val7Gly). This variant is not present in population databases (gnomAD no frequency). This variant has not been reported in the literature in individuals affected with ALX4-related conditions. An algorithm developed to predict the effect of missense changes on protein structure and function (PolyPhen-2) suggests that this variant is likely to be disruptive. In summary, the available evidence is currently insufficient to determine the role of this variant in disease. Therefore, it has been classified as a Variant of Uncertain Significance.